The following is an entry in ClinVar:

NM_001379500.1(COL18A1):c.268del (p.Arg90fs)

Gene: COL18A1 (collagen type XVIII alpha 1 chain; plus strand). Cytogenetic location: 21q22.3.
Variant type: Deletion.
Coding change: c.268del on transcript NM_001379500.1 (MANE Select); coding-DNA position 268, one base deleted (C; older notation c.268delC).
Protein change: p.Arg90fs; shifts the reading frame from arginine 90.
Molecular consequence: frameshift variant.
Genome position (GRCh38, 1-based): chr21:45,468,403, C deleted; the last of 2 consecutive C bases (chr21:45,468,402-45,468,403); deleting either gives the same sequence. VCF-style (leftmost placement, unchanged base first): chr21-45468401-TC-T. GRCh37 (hg19) VCF-style: chr21-46888315-TC-T.
Other names: c.808del, p.Arg270fs (NM_030582.4); c.1513del, p.Arg505fs (NM_130444.3); short protein forms R270fs, R505fs, R90fs.
Identifiers: ClinVar variation 872909 (VCV000872909.14), dbSNP rs2035293928, ClinGen allele CA1139666913.

ClinVar aggregate classification (germline): Pathogenic. Review status: criteria provided, single submitter (1 of 4 stars). 3 submissions from 2 submitters: Pathogenic (1). 2 of the submissions do not count toward it. Last evaluated 2025-02-01.

Conditions:
Hereditary glaucoma, primary closed-angle. Also called: Glaucoma, primary closed-angle. Identifiers: MedGen C5394374, MONDO:0030038, OMIM 618880.
Knobloch syndrome (KNO). Also called: Myopia retinal detachment encephalocele; RETINAL DETACHMENT AND OCCIPITAL ENCEPHALOCELE. Identifiers: Orphanet 1571, MedGen C1849409, MONDO:0800166.

Submissions (3):

CeGaT Center for Human Genetics Tuebingen
Classification: Pathogenic. Last evaluated: 2025-02-01. Review status: criteria provided, single submitter. Criteria: CeGaT Center For Human Genetics Tuebingen Variant Classification Criteria Version 2. Collection method: clinical testing. Allele origin: germline. Affected: yes. Observed: 1 variant allele.
Comment: COL18A1: PVS1, PM2, PM3

OMIM
Classification: Pathogenic for KNOBLOCH SYNDROME 1. Last evaluated: 2020-05-11. Review status: no assertion criteria provided. Collection method: literature only. Allele origin: germline. Not counted in ClinVar's aggregate classification.

OMIM
Classification: Pathogenic for GLAUCOMA, PRIMARY CLOSED ANGLE. Last evaluated: 2020-05-11. Review status: no assertion criteria provided. Collection method: literature only. Allele origin: germline. Not counted in ClinVar's aggregate classification.

Literature cited by the submitters: PubMed 30007336 (cited by OMIM).